The following is an entry in ClinVar:

ClinVar aggregate classification (germline): Uncertain significance (1 of 4 stars; one submission).

Submission:

GeneDx
Classification: Uncertain significance. Last evaluated: 2023-03-18. Review status: criteria provided, single submitter. Criteria: GeneDx Variant Classification Process June 2021. Collection method: clinical testing. Allele origin: germline. Affected: yes.
Comment: Not observed at significant frequency in large population cohorts (gnomAD); In silico analysis supports that this missense variant does not alter protein structure/function; Has not been previously published as pathogenic or benign to our knowledge

NM_001170629.2(CHD8):c.7576G>A (p.Gly2526Ser)

Gene: CHD8 (chromodomain helicase DNA binding protein 8; minus strand). Cytogenetic location: 14q11.2.
Variant type: single nucleotide variant.
Coding change: c.7576G>A on transcript NM_001170629.2 (MANE Select); coding-DNA position 7576, G replaced by A.
Protein change: p.Gly2526Ser; replaces glycine 2526 with serine.
Molecular consequence: missense variant.
Genome position (GRCh38, 1-based): chr14:21,385,783, C>T on the plus strand (G>A on the coding strand, the complement: CHD8 is on the minus strand). VCF-style: chr14-21385783-C-T. GRCh37 (hg19) VCF-style: chr14-21853942-C-T.
Other names: c.6739G>A, p.Gly2247Ser (NM_020920.4); short protein forms G2247S, G2526S.
Identifiers: ClinVar variation 2579923 (VCV002579923.1), dbSNP rs2501811989, ClinGen allele CA388874751.
Genomic context (GRCh38, chr14:21,385,783, plus strand): 5'-CTTCTTCATCCTCATCGTCATCCTCCTCAGGTTGCAGTGGTGGCAACCGCAAGGTAGTAC[C>T]AGAGGCGGTAGTCACTGGTGAAGAGGGGTAGCCAGGGGCTCTCAAGCCTGGATGGTGATG-3'
Protein context (NP_001164100.1, residues 2516-2536): YPSSPVTTAS[Gly2526Ser]TTLRLPPLQP